The following is an entry in ClinVar:

NM_080669.6(SLC46A1):c.194G>T (p.Gly65Val)

Gene: SLC46A1 (solute carrier family 46 member 1; minus strand). Cytogenetic location: 17q11.2.
Variant type: single nucleotide variant.
Coding change: c.194G>T on transcript NM_080669.6 (MANE Select); coding-DNA position 194, G replaced by T.
Protein change: p.Gly65Val; replaces glycine 65 with valine.
Molecular consequence: missense variant.
Genome position (GRCh38, 1-based): chr17:28,405,921, C>A on the plus strand (G>T on the coding strand, the complement: SLC46A1 is on the minus strand). VCF-style: chr17-28405921-C-A. GRCh37 (hg19) VCF-style: chr17-26732939-C-A.
Other names: c.194G>T, p.Gly65Val (NM_001242366.3); short protein forms G65V.
Identifiers: ClinVar variation 1401652 (VCV001401652.6), dbSNP rs868935742, ClinGen allele CA398353803.

ClinVar aggregate classification (germline): Uncertain significance (1 of 4 stars; one submission).

Submission:

Labcorp Genetics (formerly Invitae), Labcorp
Classification: Uncertain significance. Last evaluated: 2022-10-13. Review status: criteria provided, single submitter. Criteria: Invitae Variant Classification Sherloc (09022015). Collection method: clinical testing. Allele origin: germline.
Comment: In summary, the available evidence is currently insufficient to determine the role of this variant in disease. Therefore, it has been classified as a Variant of Uncertain Significance. Advanced modeling of protein sequence and biophysical properties (such as structural, functional, and spatial information, amino acid conservation, physicochemical variation, residue mobility, and thermodynamic stability) performed at Invitae indicates that this missense variant is not expected to disrupt SLC46A1 protein function. ClinVar contains an entry for this variant (Variation ID: 1401652). This variant has not been reported in the literature in individuals affected with SLC46A1-related conditions. This variant is not present in population databases (gnomAD no frequency). This sequence change replaces glycine, which is neutral and non-polar, with valine, which is neutral and non-polar, at codon 65 of the SLC46A1 protein (p.Gly65Val).